The following is an entry in ClinVar:

ClinVar aggregate classification (germline): Likely benign. Review status: criteria provided, multiple submitters, no conflicts (2 of 4 stars). 5 submissions from 5 submitters: Likely benign (5). Last evaluated 2026-01-14.

Conditions:
Neutropenia, severe congenital, 2, autosomal dominant. Identifiers: Orphanet 486, MedGen C2751288, MONDO:0013139, OMIM 613107.

Allele frequency attached by ClinVar (database versions not stated): ExAC 0.00005; gnomAD exomes 0.00006 and 0.00029; gnomAD 0.00016 and 0.00017; TOPMed 0.00016; ESP Exome Variant Server 0.00023.
gnomAD v4.1: 464 of 1,614,038 alleles (0.029%); highest among the groups gnomAD compares: Non-Finnish European, 0.036%; 1 homozygote.

Submissions (5):

Labcorp Genetics (formerly Invitae), Labcorp
Classification: Likely benign for Neutropenia, severe congenital, 2, autosomal dominant. Last evaluated: 2026-01-14. Review status: criteria provided, single submitter. Criteria: Invitae Variant Classification Sherloc (09022015). Collection method: clinical testing. Allele origin: germline.

CeGaT Center for Human Genetics Tuebingen
Classification: Likely benign. Last evaluated: 2025-03-01. Review status: criteria provided, single submitter. Criteria: CeGaT Center For Human Genetics Tuebingen Variant Classification Criteria Version 2. Collection method: clinical testing. Allele origin: germline. Affected: yes. Observed: 1 variant allele.
Comment: GFI1: BP4

ARUP Laboratories, Molecular Genetics and Genomics, ARUP Laboratories
Classification: Likely benign. Last evaluated: 2024-10-30. Review status: criteria provided, single submitter. Criteria: ARUP Molecular Germline Variant Investigation Process 2024. Collection method: clinical testing. Allele origin: germline.

Ambry Genetics
Classification: Likely benign. Last evaluated: 2024-10-02. Review status: criteria provided, single submitter. Criteria: Ambry Variant Classification Scheme 2023. Collection method: clinical testing. Allele origin: germline.

PreventionGenetics, part of Exact Sciences
Classification: Likely benign. Review status: criteria provided, single submitter. Criteria: ACMG Guidelines, 2015. Collection method: clinical testing. Allele origin: germline.

NM_005263.5(GFI1):c.1242C>T (p.His414=)

Gene: GFI1 (growth factor independent 1 transcriptional repressor; minus strand). Cytogenetic location: 1p22.1.
Variant type: single nucleotide variant.
Coding change: c.1242C>T on transcript NM_005263.5 (MANE Select); coding-DNA position 1242, C replaced by T.
Protein change: p.His414=; no amino-acid change (histidine 414 retained).
Molecular consequence: synonymous variant.
Genome position (GRCh38, 1-based): chr1:92,476,056, G>A on the plus strand (C>T on the coding strand, the complement: GFI1 is on the minus strand). VCF-style: chr1-92476056-G-A. GRCh37 (hg19) VCF-style: chr1-92941613-G-A.
Other names: c.1242C>T, p.His414= (NM_001127215.3, NM_001127216.3).
Identifiers: ClinVar variation 259701 (VCV000259701.19), dbSNP rs142561847, ClinGen allele CA951220.